The following is an entry in ClinVar:

NM_001283009.2(RTEL1):c.751G>A (p.Glu251Lys)

Genes: RTEL1-TNFRSF6B (RTEL1-TNFRSF6B readthrough (NMD candidate); plus strand), RTEL1 (regulator of telomere elongation helicase 1; plus strand). Cytogenetic location: 20q13.33.
Variant type: single nucleotide variant.
Coding change: c.751G>A on transcript NM_001283009.2 (MANE Select); coding-DNA position 751, G replaced by A.
Protein change: p.Glu251Lys; replaces glutamic acid 251 with lysine.
Molecular consequence: missense variant. On other transcripts: non-coding transcript variant (1).
Genome position (GRCh38, 1-based): chr20:63,672,607, G>A. VCF-style: chr20-63672607-G-A. GRCh37 (hg19) VCF-style: chr20-62303960-G-A.
Other names: c.82G>A, p.Glu28Lys (NM_001283010.1); c.751G>A, p.Glu251Lys (NM_016434.4); c.823G>A, p.Glu275Lys (NM_032957.5); short protein forms E275K, E251K, E28K.
Identifiers: ClinVar variation 42022 (VCV000042022.8), dbSNP rs398123019, ClinGen allele CA130956.

ClinVar aggregate classification (germline): Uncertain significance. Review status: criteria provided, multiple submitters, no conflicts (2 of 4 stars). 5 submissions from 5 submitters: Uncertain significance (3). 2 of the submissions do not count toward it. Last evaluated 2025-11-28.

Conditions:
Dyskeratosis congenita, autosomal recessive 5 (DKCB5). Identifiers: MedGen C3554656, MONDO:0014076, OMIM 615190.
Pulmonary fibrosis and/or bone marrow failure, Telomere-related, 3. Also called: PULMONARY FIBROSIS AND/OR BONE MARROW FAILURE SYNDROME, TELOMERE-RELATED, 3. Identifiers: Orphanet 2032, MedGen C4225346, MONDO:0014613, OMIM 616373.

Allele frequency attached by ClinVar (database versions not stated): gnomAD exomes below 0.00001; TOPMed below 0.00001.
gnomAD v4.1: 1 of 1,584,674 alleles (0.000063%); highest among the groups gnomAD compares: Non-Finnish European, 0.000086%; no homozygotes.

Submissions (5):

Labcorp Genetics (formerly Invitae), Labcorp
Classification: Uncertain significance for Dyskeratosis congenita, autosomal recessive 5; Pulmonary fibrosis and/or bone marrow failure, Telomere-related, 3. Last evaluated: 2025-11-28. Review status: criteria provided, single submitter. Criteria: Invitae Variant Classification Sherloc (09022015). Collection method: clinical testing. Allele origin: germline.
Comment: This sequence change replaces glutamic acid, which is acidic and polar, with lysine, which is basic and polar, at codon 251 of the RTEL1 protein (p.Glu251Lys). The frequency data for this variant in the population databases is considered unreliable, as metrics indicate poor data quality at this position in the gnomAD database. This missense change has been observed in individual(s) with dyskeratosis congenita (PMID: 23453664). This variant is also known as p.Gly275Lys. ClinVar contains an entry for this variant (Variation ID: 42022). An algorithm developed to predict the effect of missense changes on protein structure and function (PolyPhen-2) suggests that this variant is likely to be disruptive. In summary, the available evidence is currently insufficient to determine the role of this variant in disease. Therefore, it has been classified as a Variant of Uncertain Significance.

Genomic Medicine Center of Excellence, King Faisal Specialist Hospital and Research Centre
Classification: Uncertain significance for Dyskeratosis congenita, autosomal recessive 5. Last evaluated: 2024-12-19. Review status: criteria provided, single submitter. Criteria: ACMG Guidelines, 2015. Collection method: clinical testing. Allele origin: germline.

GeneDx
Classification: Uncertain significance. Last evaluated: 2023-09-14. Review status: criteria provided, single submitter. Criteria: GeneDx Variant Classification Process June 2021. Collection method: clinical testing. Allele origin: germline. Affected: yes.
Comment: Not observed at significant frequency in large population cohorts (gnomAD); In silico analysis supports that this missense variant has a deleterious effect on protein structure/function; This variant is associated with the following publications: (PMID: 23453664)

Counsyl
Classification: Uncertain significance for Dyskeratosis congenita, autosomal recessive 5. Last evaluated: 2017-05-30. Review status: no assertion criteria provided. Collection method: clinical testing. Allele origin: unknown. Not counted in ClinVar's aggregate classification.

OMIM
Classification: Pathogenic for DYSKERATOSIS CONGENITA, AUTOSOMAL RECESSIVE 5. Last evaluated: 2013-03-07. Review status: no assertion criteria provided. Collection method: literature only. Allele origin: germline. Not counted in ClinVar's aggregate classification.

Literature cited by the submitters: PubMed 23453664 (cited by 3 submitters).